The following is an entry in ClinVar:

NM_032043.3(BRIP1):c.2038_2039del (p.Leu680fs)

Gene: BRIP1 (BRCA1 interacting DNA helicase 1; minus strand). Cytogenetic location: 17q23.2.
Variant type: Deletion.
Coding change: c.2038_2039del on transcript NM_032043.3 (MANE Select); coding-DNA positions 2038 to 2039, 2 bases deleted (TT; older notation c.2038_2039delTT).
Protein change: p.Leu680fs; shifts the reading frame from leucine 680.
Molecular consequence: frameshift variant.
Genome position (GRCh38, 1-based): chr17:61,776,459-61,776,460, AA deleted on the plus strand (TT on the coding strand, the reverse complement: BRIP1 is on the minus strand); deleting any 2 consecutive bases within chr17:61,776,459-61,776,462 gives the same sequence; the c. name uses the placement nearest the transcript's 3' end. VCF-style (leftmost placement, unchanged base first): chr17-61776458-CAA-C. GRCh37 (hg19) VCF-style: chr17-59853819-CAA-C.
Other names: c.2038_2039delTT (NM_032043.2); short protein forms L680fs.
Identifiers: ClinVar variation 530330 (VCV000530330.7), dbSNP rs587778134, ClinGen allele CA658798935.

ClinVar aggregate classification (germline): Pathogenic (1 of 4 stars; one submission).

Conditions:
Fanconi anemia complementation group J. Also called: BRIP1-Related Fanconi Anemia. Identifiers: Orphanet 84, MedGen C1836860, MONDO:0012187, OMIM 609054.
Familial cancer of breast. Also called: BREAST CANCER, FAMILIAL; hereditary breast carcinoma; Hereditary breast cancer. Identifiers: Orphanet 227535, MedGen C0346153, MONDO:0016419, OMIM 114480. Disease mechanism: loss of function.

Submission:

Labcorp Genetics (formerly Invitae), Labcorp
Classification: Pathogenic for Familial cancer of breast; Fanconi anemia complementation group J. Last evaluated: 2017-10-29. Review status: criteria provided, single submitter. Criteria: Invitae Variant Classification Sherloc (09022015). Collection method: clinical testing. Allele origin: germline.
Comment: For these reasons, this variant has been classified as Pathogenic. Loss-of-function variants in BRIP1 are known to be pathogenic (PMID: 16116423, 17033622, 21964575). This variant has not been reported in the literature in individuals with BRIP1-related disease. This variant is not present in population databases (ExAC no frequency). This sequence change creates a premature translational stop signal (p.Leu680Valfs*36) in the BRIP1 gene. It is expected to result in an absent or disrupted protein product.

Literature cited by the submitters: PubMed 16116423; PubMed 17033622; PubMed 21964575.